The following is an entry in ClinVar:

ClinVar aggregate classification (germline): Conflicting classifications of pathogenicity. Review status: criteria provided, conflicting classifications (1 of 4 stars). 4 submissions from 4 submitters: Uncertain significance (3); Benign (1). Last evaluated 2026-01-18.

Conditions:
Hereditary cancer-predisposing syndrome. Also called: Neoplastic Syndromes, Hereditary; Tumor predisposition; Hereditary Cancer Syndrome; Hereditary neoplastic syndrome. Identifiers: Orphanet 140162, MedGen C0027672, MeSH D009386, MONDO:0015356.
Fanconi anemia complementation group O. Also called: RAD51C-Related Fanconi Anemia. Identifiers: Orphanet 84, MedGen C3150653, MONDO:0013248, OMIM 613390.

gnomAD v4.1: 3 of 1,614,196 alleles (0.00019%); highest among the groups gnomAD compares: Admixed American, 0.0017%; no homozygotes.

Submissions (4):

Labcorp Genetics (formerly Invitae), Labcorp
Classification: Uncertain significance for Fanconi anemia complementation group O. Last evaluated: 2026-01-18. Review status: criteria provided, single submitter. Criteria: Invitae Variant Classification Sherloc (09022015). Collection method: clinical testing. Allele origin: germline.
Comment: This sequence change replaces phenylalanine, which is neutral and non-polar, with leucine, which is neutral and non-polar, at codon 6 of the RAD51C protein (p.Phe6Leu). This variant is not present in population databases (gnomAD no frequency). This variant has not been reported in the literature in individuals affected with RAD51C-related conditions. ClinVar contains an entry for this variant (Variation ID: 566354). An algorithm developed to predict the effect of missense changes on protein structure and function outputs the following: PolyPhen-2: "Benign". The leucine amino acid residue is found in multiple mammalian species, which suggests that this missense change does not adversely affect protein function. In summary, the available evidence is currently insufficient to determine the role of this variant in disease. Therefore, it has been classified as a Variant of Uncertain Significance.

Ambry Genetics
Classification: Benign for Hereditary cancer-predisposing syndrome. Last evaluated: 2025-09-25. Review status: criteria provided, single submitter. Criteria: Ambry Variant Classification Scheme 2023. Collection method: clinical testing. Allele origin: germline.

GeneDx
Classification: Uncertain significance. Last evaluated: 2023-12-08. Review status: criteria provided, single submitter. Criteria: GeneDx Variant Classification Process June 2021. Collection method: clinical testing. Allele origin: germline. Affected: yes.
Comment: Not observed at significant frequency in large population cohorts (gnomAD); In silico analysis supports that this missense variant does not alter protein structure/function; Has not been previously published as pathogenic or benign to our knowledge

Color Diagnostics, LLC DBA Color Health
Classification: Uncertain significance for Hereditary cancer-predisposing syndrome. Last evaluated: 2023-12-04. Review status: criteria provided, single submitter. Criteria: ACMG Guidelines, 2015. Collection method: clinical testing. Allele origin: germline.
Comment: This missense variant replaces phenylalanine with leucine at codon 6 of the RAD51C protein. Computational prediction suggests that this variant may not impact protein structure and function (internally defined REVEL score threshold <= 0.5, PMID: 27666373). To our knowledge, functional studies have not been reported for this variant. This variant has not been reported in individuals affected with RAD51C-related disorders in the literature. This variant has not been identified in the general population by the Genome Aggregation Database (gnomAD). The available evidence is insufficient to determine the role of this variant in disease conclusively. Therefore, this variant is classified as a Variant of Uncertain Significance.

NM_058216.3(RAD51C):c.18C>A (p.Phe6Leu)

Gene: RAD51C (RAD51 paralog C; plus strand). Cytogenetic location: 17q22.
Variant type: single nucleotide variant.
Coding change: c.18C>A on transcript NM_058216.3 (MANE Select); coding-DNA position 18, C replaced by A.
Protein change: p.Phe6Leu; replaces phenylalanine 6 with leucine.
Molecular consequence: missense variant. On other transcripts: non-coding transcript variant (2).
Genome position (GRCh38, 1-based): chr17:58,692,661, C>A. VCF-style: chr17-58692661-C-A. GRCh37 (hg19) VCF-style: chr17-56770022-C-A.
Other names: c.18C>A, p.Phe6Leu (NM_002876.4); short protein forms F6L.
Identifiers: ClinVar variation 566354 (VCV000566354.18), dbSNP rs774685897, ClinGen allele CA400336231.